The following is an entry in ClinVar:

ClinVar aggregate classification (germline): Likely benign. Review status: criteria provided, multiple submitters, no conflicts (2 of 4 stars). 2 submissions from 2 submitters: Likely benign (2). Last evaluated 2024-08-31.

Conditions:
Glycogen storage disease XV (GSD15). Also called: GLYCOGENIN DEFICIENCY; GSD XV. Identifiers: Orphanet 263297, MedGen C3150754, MONDO:0013291, OMIM 613507.
Polyglucosan body myopathy type 2. Identifiers: Orphanet 456369, MedGen C4015452, MONDO:0014526, OMIM 616199.

Allele frequency attached by ClinVar (database versions not stated): gnomAD exomes 0.00001.
gnomAD v4.1: 4 of 1,613,944 alleles (0.00025%); highest among the groups gnomAD compares: Non-Finnish European, 0.00034%; no homozygotes.

Submissions (2):

Labcorp Genetics (formerly Invitae), Labcorp
Classification: Likely benign for Polyglucosan body myopathy type 2; Glycogen storage disease XV. Last evaluated: 2024-08-31. Review status: criteria provided, single submitter. Criteria: Invitae Variant Classification Sherloc (09022015). Collection method: clinical testing. Allele origin: germline.

GeneDx
Classification: Likely benign. Last evaluated: 2016-02-04. Review status: criteria provided, single submitter. Criteria: GeneDx Variant Classification (06012015). Collection method: clinical testing. Allele origin: germline. Affected: yes.
Comment: This variant is considered likely benign or benign based on one or more of the following criteria: it is a conservative change, it occurs at a poorly conserved position in the protein, it is predicted to be benign by multiple in silico algorithms, and/or has population frequency not consistent with disease.

NM_004130.4(GYG1):c.267C>T (p.Cys89=)

Gene: GYG1 (glycogenin 1; plus strand). Cytogenetic location: 3q24.
Variant type: single nucleotide variant.
Coding change: c.267C>T on transcript NM_004130.4 (MANE Select); coding-DNA position 267, C replaced by T.
Protein change: p.Cys89=; no amino-acid change (cysteine 89 retained).
Molecular consequence: synonymous variant.
Genome position (GRCh38, 1-based): chr3:148,996,425, C>T. VCF-style: chr3-148996425-C-T. GRCh37 (hg19) VCF-style: chr3-148714212-C-T.
Other names: c.267C>T, p.Cys89= (NM_001184720.2, NM_001184721.2).
Identifiers: ClinVar variation 382419 (VCV000382419.3), dbSNP rs1057521350, ClinGen allele CA16604822.